The following is an entry in ClinVar:

ClinVar aggregate classification (germline): Uncertain significance (1 of 4 stars; one submission).

Allele frequency attached by ClinVar (database versions not stated): gnomAD 0.00001; 1000 Genomes Project 30x 0.00016; ExAC 0.00003; 1000 Genomes Project 0.00020.

Submission:

Labcorp Genetics (formerly Invitae), Labcorp
Classification: Uncertain significance. Last evaluated: 2025-10-02. Review status: criteria provided, single submitter. Criteria: Invitae Variant Classification Sherloc (09022015). Collection method: clinical testing. Allele origin: germline.
Comment: This sequence change replaces glycine, which is neutral and non-polar, with glutamic acid, which is acidic and polar, at codon 106 of the IKZF1 protein (p.Gly106Glu). This variant is present in population databases (rs549930725, gnomAD 0.004%). This variant has not been reported in the literature in individuals affected with IKZF1-related conditions. ClinVar contains an entry for this variant (Variation ID: 2871748). An algorithm developed to predict the effect of missense changes on protein structure and function (PolyPhen-2) suggests that this variant is likely to be disruptive. In summary, the available evidence is currently insufficient to determine the role of this variant in disease. Therefore, it has been classified as a Variant of Uncertain Significance.

NM_006060.6(IKZF1):c.317G>A (p.Gly106Glu)

Gene: IKZF1 (IKAROS family zinc finger 1; plus strand). Cytogenetic location: 7p12.2.
Variant type: single nucleotide variant.
Coding change: c.317G>A on transcript NM_006060.6 (MANE Select); coding-DNA position 317, G replaced by A.
Protein change: p.Gly106Glu; replaces glycine 106 with glutamic acid.
Molecular consequence: missense variant. On other transcripts: intron variant (9).
Genome position (GRCh38, 1-based): chr7:50,376,689, G>A. VCF-style: chr7-50376689-G-A. GRCh37 (hg19) VCF-style: chr7-50444387-G-A.
Other names: c.317G>A, p.Gly106Glu (NM_001220765.3, NM_001220768.2, NM_001220771.2 and 1 more transcripts); c.377G>A, p.Gly126Glu (NM_001410879.1); c.161-5851G>A (NM_001291839.2, NM_001291838.2, NM_001220767.2 and 1 more transcripts); c.161-10656G>A (NM_001291841.1, NM_001291842.1); c.161-15040G>A (NM_001291843.1, NM_001291844.1); c.161-23229G>A (NM_001291840.1); short protein forms G106E, G126E.
Identifiers: ClinVar variation 2871748 (VCV002871748.3), dbSNP rs549930725, ClinGen allele CA4261275.